The following is an entry in ClinVar:

ClinVar aggregate classification (germline): Conflicting classifications of pathogenicity. Review status: criteria provided, conflicting classifications (1 of 4 stars). 8 submissions from 8 submitters: Uncertain significance (5); Likely benign (3). Last evaluated 2026-08-05.

Conditions:
Cardiovascular phenotype. Identifiers: MedGen CN230736.
Vesicoureteral reflux 8 (VUR8). Identifiers: Orphanet 289365, MedGen C4014831, MONDO:0014422, OMIM 615963.
Ehlers-Danlos syndrome (EDS). Identifiers: Orphanet 98249, MedGen C0013720, MONDO:0020066.

Allele frequency attached by ClinVar (database versions not stated): gnomAD exomes 0.00036 and 0.00048; TOPMed 0.00036; gnomAD 0.00040 and 0.00042; ExAC 0.00065; ESP Exome Variant Server 0.00094.
gnomAD v4.1: 756 of 1,612,694 alleles (0.047%); highest among the groups gnomAD compares: Non-Finnish European, 0.059%; 1 homozygote.

Submissions (8):

GeneDx
Classification: Uncertain significance. Last evaluated: 2026-08-05. Review status: criteria provided, single submitter. Criteria: GeneDx Variant Classification Process June 2021. Collection method: clinical testing. Allele origin: germline.
Comment: Reported in a proband with features of a connective tissue disorder; however, multiple homozygous variants in the TNXB gene were identified (PMID: 42295573); In silico analysis suggests that this missense variant does not alter protein structure/function; This variant is associated with the following publications: (PMID: 42295573)

Women's Health and Genetics/Laboratory Corporation of America, LabCorp
Classification: Uncertain significance. Last evaluated: 2026-05-21. Review status: criteria provided, single submitter. Criteria: LabCorp Variant Classification Summary - May 2015. Collection method: clinical testing. Allele origin: germline.
Comment: Variant summary: TNXB c.8012C>T (p.Ala2671Val) results in a non-conservative amino acid change in the encoded protein sequence. Algorithms developed to predict the effect of missense changes on protein structure and function are either unavailable or do not agree on the potential impact of this missense change. The variant allele was found at a frequency of 0.00036 in 246158 control chromosomes. This frequency is not significantly higher than estimated for disease-causing variants in TNXB, allowing no conclusion about variant significance. To our knowledge, no occurrence of c.8012C>T in individuals affected with TNXB-related conditions and no experimental evidence demonstrating its impact on protein function have been reported. ClinVar contains an entry for this variant (Variation ID: 871705). Based on the evidence outlined above, the variant was classified as uncertain significance.

Mayo Clinic Laboratories, Mayo Clinic
Classification: Uncertain significance. Last evaluated: 2025-09-23. Review status: criteria provided, single submitter. Criteria: ACMG Guidelines, 2015. Collection method: clinical testing. Allele origin: germline. Observed: 7 variant alleles.
Comment: BP4_moderate

Blueprint Genetics
Classification: Likely benign. Last evaluated: 2024-11-06. Review status: criteria provided, single submitter. Criteria: ACMG Guidelines, 2015. Collection method: clinical testing. Allele origin: germline.

Genome Diagnostics Laboratory, The Hospital for Sick Children
Classification: Uncertain significance for Ehlers-Danlos syndrome. Last evaluated: 2022-04-26. Review status: criteria provided, single submitter. Criteria: ACMG Guidelines, 2015. Collection method: clinical testing. Allele origin: germline.

Revvity Omics, Revvity
Classification: Uncertain significance for Vesicoureteral reflux 8. Last evaluated: 2021-05-27. Review status: criteria provided, single submitter. Criteria: ACMG Guidelines, 2015. Collection method: clinical testing. Allele origin: germline.

CeGaT Center for Human Genetics Tuebingen
Classification: Likely benign. Last evaluated: 2021-04-01. Review status: criteria provided, single submitter. Criteria: CeGaT Center For Human Genetics Tuebingen Variant Classification Criteria Version 2. Collection method: clinical testing. Allele origin: germline. Affected: yes. Observed: 2 variant alleles.

Ambry Genetics
Classification: Likely benign for Cardiovascular phenotype. Last evaluated: 2020-01-28. Review status: criteria provided, single submitter. Criteria: Ambry Variant Classification Scheme 2023. Collection method: clinical testing. Allele origin: germline.

NM_001365276.2(TNXB):c.8012C>T (p.Ala2671Val)

Gene: TNXB (tenascin XB; minus strand). Cytogenetic location: 6p21.33.
Variant type: single nucleotide variant.
Coding change: c.8012C>T on transcript NM_001365276.2 (MANE Select); coding-DNA position 8012, C replaced by T.
Protein change: p.Ala2671Val; replaces alanine 2671 with valine.
Molecular consequence: missense variant.
Genome position (GRCh38, 1-based): chr6:32,056,717, G>A on the plus strand (C>T on the coding strand, the complement: TNXB is on the minus strand). VCF-style: chr6-32056717-G-A. GRCh37 (hg19) VCF-style: chr6-32024494-G-A.
Other names: p.Ala2671Val; c.8012C>T, p.Ala2671Val (NM_019105.8); short protein forms A2671V.
Identifiers: ClinVar variation 871705 (VCV000871705.60), dbSNP rs201037895, ClinGen allele CA3733991.